The following is an entry in ClinVar:

ClinVar aggregate classification (germline): Uncertain significance (1 of 4 stars; one submission).

Submission:

GeneDx
Classification: Uncertain significance. Last evaluated: 2025-07-25. Review status: criteria provided, single submitter. Criteria: GeneDx Variant Classification Process June 2021. Collection method: clinical testing. Allele origin: germline.
Comment: Not observed at significant frequency in large population cohorts (gnomAD); In-frame deletion of 1 amino acid(s) in a non-repeat region; In silico analysis supports a deleterious effect on protein structure/function; Has not been previously published as pathogenic or benign to our knowledge

NM_001039591.3(USP9X):c.5943TAT[1] (p.Ile1982del)

Gene: USP9X (ubiquitin specific peptidase 9 X-linked; plus strand). Cytogenetic location: Xp11.4.
Variant type: Microsatellite.
Coding change: c.5943TAT[1] on transcript NM_001039591.3 (MANE Select); one copy of the 3-base unit TAT starting at c.5943; the reference has two copies in a row; one copy, 3 bases deleted.
Protein change: p.Ile1982del; deletes isoleucine 1982.
Genome position (GRCh38, 1-based): chrX:41,216,513-41,216,515, TAT deleted; deleting any 3 consecutive bases within chrX:41,216,508-41,216,515 gives the same sequence; the position shown is the placement nearest the transcript's 3' end. VCF-style (leftmost placement, unchanged base first): chrX-41216507-GATT-G. GRCh37 (hg19) VCF-style: chrX-41075760-GATT-G.
Other names: c.5943TAT[1], p.Ile1982del (NM_001039590.3); c.5958TAT[1], p.Ile1987del (NM_001410748.1, NM_001410749.1); short protein forms I1982del, I1987del.
Identifiers: ClinVar variation 3360015 (VCV003360015.2).
Genomic context (GRCh38, chrX:41,216,507, plus strand): 5'-CCAAGATGATGAGTTGATAAGATATATATCAGAGCTTGCTATCACCACCAGACCTCATCA[GATT>G]ATTATGCCATCAGCCATTGAGAGAAGTGTACGGAAACAGAACGTACAATTCATGCATAAC-3'